The following is an entry in ClinVar:

NM_005956.4(MTHFD1):c.153_154del (p.Ile53fs)

Gene: MTHFD1 (methylenetetrahydrofolate dehydrogenase, cyclohydrolase and formyltetrahydrofolate synthetase 1; plus strand). Cytogenetic location: 14q23.3.
Variant type: Deletion.
Coding change: c.153_154del on transcript NM_005956.4 (MANE Select); coding-DNA positions 153 to 154, 2 bases deleted (TT; older notation c.153_154delTT).
Protein change: p.Ile53fs; shifts the reading frame from isoleucine 53.
Molecular consequence: frameshift variant.
Genome position (GRCh38, 1-based): chr14:64,411,116-64,411,117, TT deleted; deleting any 2 consecutive bases within chr14:64,411,115-64,411,117 gives the same sequence; the c. name uses the placement nearest the transcript's 3' end. VCF-style (leftmost placement, unchanged base first): chr14-64411114-CTT-C. GRCh37 (hg19) VCF-style: chr14-64877832-CTT-C.
Other names: c.153_154del, p.Ile53fs (NM_001364837.1); short protein forms I53fs.
Identifiers: ClinVar variation 2813712 (VCV002813712.4), dbSNP rs747933171, ClinGen allele CA7225851.

ClinVar aggregate classification (germline): Pathogenic/Likely pathogenic. Review status: criteria provided, multiple submitters, no conflicts (2 of 4 stars). 2 submissions from 2 submitters: Pathogenic (1); Likely pathogenic (1). Last evaluated 2025-09-02.

Conditions:
Combined immunodeficiency and megaloblastic anemia with or without hyperhomocysteinemia. Also called: COMBINED IMMUNODEFICIENCY AND MEGALOBLASTIC ANEMIA; METHYLENETETRAHYDROFOLATE DEHYDROGENASE 1 DEFICIENCY. Identifiers: Orphanet 658813, MedGen C4540434, MONDO:0060611, OMIM 617780.
Neural tube defects, folate-sensitive (NTDFS). Also called: NTD, FOLATE-SENSITIVE. Identifiers: Orphanet 823, MedGen C1866558, MONDO:0011120, OMIM 601634.

Submissions (2):

Labcorp Genetics (formerly Invitae), Labcorp
Classification: Pathogenic. Last evaluated: 2025-09-02. Review status: criteria provided, single submitter. Criteria: Invitae Variant Classification Sherloc (09022015). Collection method: clinical testing. Allele origin: germline.
Comment: This sequence change creates a premature translational stop signal (p.Ile53Lysfs*8) in the MTHFD1 gene. It is expected to result in an absent or disrupted protein product. Loss-of-function variants in MTHFD1 are known to be pathogenic (PMID: 21813566, 25633902). This variant is present in population databases (rs747933171, gnomAD 0.0009%). This variant has not been reported in the literature in individuals affected with MTHFD1-related conditions. ClinVar contains an entry for this variant (Variation ID: 2813712). For these reasons, this variant has been classified as Pathogenic.

Fulgent Genetics
Classification: Likely pathogenic for Neural tube defects, folate-sensitive; Combined immunodeficiency and megaloblastic anemia with or without hyperhomocysteinemia. Last evaluated: 2024-06-23. Review status: criteria provided, single submitter. Criteria: ACMG Guidelines, 2015. Collection method: clinical testing. Allele origin: germline.

Literature cited by the submitters: PubMed 21813566 (cited by Labcorp Genetics (formerly Invitae), Labcorp); PubMed 25633902 (cited by Labcorp Genetics (formerly Invitae), Labcorp).